The following is an entry in ClinVar:

NM_020937.4(FANCM):c.307C>G (p.Leu103Val)

Gene: FANCM (FA complementation group M; plus strand). Cytogenetic location: 14q21.2.
Variant type: single nucleotide variant.
Coding change: c.307C>G on transcript NM_020937.4 (MANE Select); coding-DNA position 307, C replaced by G.
Protein change: p.Leu103Val; replaces leucine 103 with valine.
Molecular consequence: missense variant.
Genome position (GRCh38, 1-based): chr14:45,136,338, C>G. VCF-style: chr14-45136338-C-G. GRCh37 (hg19) VCF-style: chr14-45605541-C-G.
Other names: c.307C>G, p.Leu103Val (NM_001308133.2, NM_001308134.2); short protein forms L103V.
Identifiers: ClinVar variation 1059607 (VCV001059607.10), dbSNP rs768136056, ClinGen allele CA389587817.

ClinVar aggregate classification (germline): Uncertain significance. Review status: criteria provided, multiple submitters, no conflicts (2 of 4 stars). 3 submissions from 3 submitters: Uncertain significance (3). Last evaluated 2022-01-13.

Conditions:
Spermatogenic failure 28. Identifiers: MedGen C4748117, MONDO:0054732, OMIM 618086.
Premature ovarian failure 15. Identifiers: MedGen C4748170, MONDO:0054862, OMIM 618096.
Fanconi anemia (FA). Also called: Fanconi's anemia. Identifiers: Orphanet 84, MedGen C0015625, MeSH D005199, MONDO:0019391.

Allele frequency attached by ClinVar (database versions not stated): TOPMed below 0.00001.

Submissions (3):

Fulgent Genetics
Classification: Uncertain significance for Spermatogenic failure 28; Premature ovarian failure 15. Last evaluated: 2022-01-13. Review status: criteria provided, single submitter. Criteria: ACMG Guidelines, 2015. Collection method: clinical testing. Allele origin: unknown.

Labcorp Genetics (formerly Invitae), Labcorp
Classification: Uncertain significance for Fanconi anemia. Last evaluated: 2021-09-01. Review status: criteria provided, single submitter. Criteria: Invitae Variant Classification Sherloc (09022015). Collection method: clinical testing. Allele origin: germline.
Comment: This sequence change replaces leucine with valine at codon 103 of the FANCM protein (p.Leu103Val). The leucine residue is highly conserved and there is a small physicochemical difference between leucine and valine. This variant is not present in population databases (ExAC no frequency). This variant has not been reported in the literature in individuals affected with FANCM-related conditions. Algorithms developed to predict the effect of missense changes on protein structure and function are either unavailable or do not agree on the potential impact of this missense change (SIFT: "Deleterious"; PolyPhen-2: "Probably Damaging"; Align-GVGD: "Class C0"). In summary, the available evidence is currently insufficient to determine the role of this variant in disease. Therefore, it has been classified as a Variant of Uncertain Significance.

GeneDx
Classification: Uncertain significance. Last evaluated: 2019-11-13. Review status: criteria provided, single submitter. Criteria: GeneDx Variant Classification Process June 2021. Collection method: clinical testing. Allele origin: germline. Affected: yes.
Comment: Not observed in large population cohorts (Lek 2016); In silico analysis, which includes protein predictors and evolutionary conservation, supports a deleterious effect; Has not been previously published as pathogenic or benign to our knowledge